The following is an entry in ClinVar:

NM_001365536.1(SCN9A):c.3430G>A (p.Glu1144Lys)

Genes: SCN1A-AS1 (SCN1A and SCN9A antisense RNA 1; plus strand), SCN9A (sodium voltage-gated channel alpha subunit 9; minus strand). Cytogenetic location: 2q24.3.
Variant type: single nucleotide variant.
Coding change: c.3430G>A on transcript NM_001365536.1 (MANE Select); coding-DNA position 3430, G replaced by A.
Protein change: p.Glu1144Lys; replaces glutamic acid 1144 with lysine.
Molecular consequence: missense variant. On other transcripts: non-coding transcript variant (1).
Genome position (GRCh38, 1-based): chr2:166,251,807, C>T on the plus strand (G>A on the coding strand, the complement: SCN9A is on the minus strand). VCF-style: chr2-166251807-C-T. GRCh37 (hg19) VCF-style: chr2-167108317-C-T.
Other names: c.3397G>A, p.Glu1133Lys (NM_002977.4); short protein forms E1144K, E1133K.
Identifiers: ClinVar variation 2954372 (VCV002954372.3), dbSNP rs1180240224, ClinGen allele CA349071913.
Genomic context (GRCh38, chr2:166,251,807, plus strand): 5'-TCTCAATTTTTGTCTTACCATCTGTGAAACAGGCCTCTGGCTCATCGGAATTCATAGGTT[C>T]AGCCTCTGCTTCTTCTCCTTCTCCAGGCAAAGGGTTATCAACTGTGCTGCACTCTGAGGA-3'
Protein context (NP_001352465.1, residues 1134-1154): LPGEGEEAEA[Glu1144Lys]PMNSDEPEAC

ClinVar aggregate classification (germline): Uncertain significance (1 of 4 stars; one submission).

Conditions:
Neuropathy, hereditary sensory and autonomic, type 2A (HSAN2A). Also called: MORVAN DISEASE; NEUROPATHY, CONGENITAL SENSORY; NEUROPATHY, HEREDITARY SENSORY RADICULAR, AUTOSOMAL RECESSIVE; NEUROPATHY, HEREDITARY SENSORY, TYPE IIA; NEUROPATHY, PROGRESSIVE SENSORY, OF CHILDREN; HSAN IIA. Identifiers: Orphanet 970, MedGen C2752089, MONDO:0024309, OMIM 201300.
Generalized epilepsy with febrile seizures plus, type 7 (GEFSP7). Also called: GEFS+, TYPE 7. Identifiers: Orphanet 36387, MedGen C2751778, MONDO:0013470, OMIM 613863.

Allele frequency attached by ClinVar (database versions not stated): gnomAD exomes below 0.00001.

Submission:

Labcorp Genetics (formerly Invitae), Labcorp
Classification: Uncertain significance for Neuropathy, hereditary sensory and autonomic, type 2A; Generalized epilepsy with febrile seizures plus, type 7. Last evaluated: 2023-12-02. Review status: criteria provided, single submitter. Criteria: Invitae Variant Classification Sherloc (09022015). Collection method: clinical testing. Allele origin: germline.
Comment: This sequence change replaces glutamic acid, which is acidic and polar, with lysine, which is basic and polar, at codon 1133 of the SCN9A protein (p.Glu1133Lys). This variant is present in population databases (no rsID available, gnomAD 0.003%). This variant has not been reported in the literature in individuals affected with SCN9A-related conditions. Advanced modeling of protein sequence and biophysical properties (such as structural, functional, and spatial information, amino acid conservation, physicochemical variation, residue mobility, and thermodynamic stability) performed at Invitae indicates that this missense variant is not expected to disrupt SCN9A protein function with a negative predictive value of 95%. In summary, the available evidence is currently insufficient to determine the role of this variant in disease. Therefore, it has been classified as a Variant of Uncertain Significance.